The following is an entry in ClinVar:

NM_001177316.2(SLC34A3):c.449-14C>A

Gene: SLC34A3 (solute carrier family 34 member 3; plus strand). Cytogenetic location: 9q34.3.
Variant type: single nucleotide variant.
Coding change: c.449-14C>A on transcript NM_001177316.2 (MANE Select); 14 bases into the intron before coding-DNA position 449, C replaced by A.
Molecular consequence: intron variant.
Genome position (GRCh38, 1-based): chr9:137,232,990, C>A. VCF-style: chr9-137232990-C-A. GRCh37 (hg19) VCF-style: chr9-140127442-C-A.
Other names: c.449-14C>A (NM_001177317.2, NM_080877.3).
Identifiers: ClinVar variation 1489749 (VCV001489749.9), dbSNP rs545767491, ClinGen allele CA5364407.

ClinVar aggregate classification (germline): Conflicting classifications of pathogenicity. Review status: criteria provided, conflicting classifications (1 of 4 stars). 3 submissions from 3 submitters: Uncertain significance (1); Likely benign (2). Last evaluated 2026-06-11.

Conditions:
Autosomal recessive hypophosphatemic bone disease (HHRH). Also called: HYPERCALCIURIC RICKETS; Hypophosphatemic rickets with hypercalciuria. Identifiers: Orphanet 157215, MedGen C1853271, MONDO:0009431, OMIM 241530.

Allele frequency attached by ClinVar (database versions not stated): 1000 Genomes Project 0.00020; 1000 Genomes Project 30x 0.00016.
gnomAD v4.1: 114 of 1,610,426 alleles (0.0071%); highest among the groups gnomAD compares: Middle Eastern, 0.091%; no homozygotes.

Submissions (3):

Women's Health and Genetics/Laboratory Corporation of America, LabCorp
Classification: Likely benign. Last evaluated: 2026-06-11. Review status: criteria provided, single submitter. Criteria: LabCorp Variant Classification Summary - May 2015. Collection method: clinical testing. Allele origin: germline.
Comment: Variant summary: SLC34A3 c.449-14C>A alters a nucleotide located at a position not widely known to affect splicing. Consensus agreement among computation tools predict no significant impact on normal splicing. However, these predictions have yet to be confirmed by functional studies. The variant allele was found at a frequency of 0.00012 in 245328 control chromosomes. This frequency is not significantly higher than estimated for disease-causing variants in SLC34A3, allowing no conclusion about variant significance. c.449-14C>A has been observed in the heterozygous state in an individual affected with renal hypophosphatemia (Hureaux_2019). This report does not provide unequivocal conclusions about association of the variant with disease. To our knowledge, no experimental evidence demonstrating an impact on protein function has been reported. The following publication has been ascertained in the context of this evaluation (PMID: 31672324). ClinVar contains an entry for this variant (Variation ID: 1489749). Based on the evidence outlined above, the variant was classified as likely benign.

Labcorp Genetics (formerly Invitae), Labcorp
Classification: Likely benign. Last evaluated: 2025-05-11. Review status: criteria provided, single submitter. Criteria: Invitae Variant Classification Sherloc (09022015). Collection method: clinical testing. Allele origin: germline.

Fulgent Genetics
Classification: Uncertain significance for Autosomal recessive hypophosphatemic bone disease. Last evaluated: 2024-04-16. Review status: criteria provided, single submitter. Criteria: ACMG Guidelines, 2015. Collection method: clinical testing. Allele origin: germline.

Literature cited by the submitters: PubMed 31672324 (cited by Women's Health and Genetics/Laboratory Corporation of America, LabCorp).